The following is an entry in ClinVar:

ClinVar aggregate classification (germline): Uncertain significance. Review status: criteria provided, multiple submitters, no conflicts (2 of 4 stars). 4 submissions from 4 submitters: Uncertain significance (4). Last evaluated 2024-03-16.

Conditions:
Leber congenital amaurosis 10 (LCA10). Identifiers: Orphanet 65, MedGen C1857821, MONDO:0012723, OMIM 611755.
Meckel syndrome, type 4 (MKS4). Also called: MECKEL-GRUBER SYNDROME, TYPE 4. Identifiers: Orphanet 564, MedGen C1970161, MONDO:0012626, OMIM 611134.
Senior-Loken syndrome 6 (SLSN6). Identifiers: Orphanet 3156, MedGen C1857779, MONDO:0012433, OMIM 610189.
Joubert syndrome 5 (JBTS5). Identifiers: Orphanet 2318, MedGen C1857780, MONDO:0012432, OMIM 610188.
Meckel-Gruber syndrome. Also called: DYSENCEPHALIA SPLANCHNOCYSTICA; GRUBER SYNDROME; Dysencephalia splachnocystica. Identifiers: Orphanet 564, MedGen C0265215, MONDO:0018921.
Joubert syndrome. Also called: JOUBERT-BOLTSHAUSER SYNDROME; Familial aplasia of the vermis. Identifiers: Orphanet 475, MedGen C5979921, MONDO:0018772.
Nephronophthisis. Also called: Juvenile Nephronophthisis. Identifiers: Orphanet 655, MedGen C0687120, MONDO:0019005, HP:0000090.
Inborn genetic diseases. Identifiers: MedGen C0950123, MeSH D030342.

Allele frequency attached by ClinVar (database versions not stated): gnomAD exomes 0.00002 and 0.00003; ExAC 0.00003.
gnomAD v4.1: 28 of 1,609,134 alleles (0.0017%); highest among the groups gnomAD compares: South Asian, 0.031%; no homozygotes.

Submissions (4):

Ambry Genetics
Classification: Uncertain significance for Inborn genetic diseases. Last evaluated: 2024-03-16. Review status: criteria provided, single submitter. Criteria: Ambry Variant Classification Scheme 2023. Collection method: clinical testing. Allele origin: germline.

Labcorp Genetics (formerly Invitae), Labcorp
Classification: Uncertain significance for Joubert syndrome; Meckel-Gruber syndrome; Nephronophthisis. Last evaluated: 2022-08-23. Review status: criteria provided, single submitter. Criteria: Invitae Variant Classification Sherloc (09022015). Collection method: clinical testing. Allele origin: germline.
Comment: This sequence change replaces alanine, which is neutral and non-polar, with serine, which is neutral and polar, at codon 398 of the CEP290 protein (p.Ala398Ser). This variant is present in population databases (rs764079993, gnomAD 0.02%). This variant has not been reported in the literature in individuals affected with CEP290-related conditions. ClinVar contains an entry for this variant (Variation ID: 1493024). Algorithms developed to predict the effect of missense changes on protein structure and function output the following: SIFT: "Tolerated"; PolyPhen-2: "Benign"; Align-GVGD: "Class C0". The serine amino acid residue is found in multiple mammalian species, which suggests that this missense change does not adversely affect protein function. In summary, the available evidence is currently insufficient to determine the role of this variant in disease. Therefore, it has been classified as a Variant of Uncertain Significance.

New York Genome Center
Classification: Uncertain significance for Joubert syndrome 5; Leber congenital amaurosis 10; Meckel syndrome, type 4; Senior-Loken syndrome 6. Last evaluated: 2020-12-16. Review status: criteria provided, single submitter. Criteria: NYGC Assertion Criteria 2020. Collection method: clinical testing. Allele origin: germline. Observed: 1 heterozygote.

Blueprint Genetics
Classification: Uncertain significance. Last evaluated: 2019-12-13. Review status: criteria provided, single submitter. Criteria: ACMG Guidelines, 2015. Collection method: clinical testing. Allele origin: germline.

NM_025114.4(CEP290):c.1192G>T (p.Ala398Ser)

Gene: CEP290 (centrosomal protein 290; minus strand). Cytogenetic location: 12q21.32.
Variant type: single nucleotide variant.
Coding change: c.1192G>T on transcript NM_025114.4 (MANE Select); coding-DNA position 1192, G replaced by T.
Protein change: p.Ala398Ser; replaces alanine 398 with serine.
Molecular consequence: missense variant.
Genome position (GRCh38, 1-based): chr12:88,121,164, C>A on the plus strand (G>T on the coding strand, the complement: CEP290 is on the minus strand). VCF-style: chr12-88121164-C-A. GRCh37 (hg19) VCF-style: chr12-88514941-C-A.
Other names: short protein forms A398S.
Identifiers: ClinVar variation 1493024 (VCV001493024.6), dbSNP rs764079993, ClinGen allele CA6712607.
Genomic context (GRCh38, chr12:88,121,164, plus strand): 5'-CTTTTAAAATGTCTAACGTTGACTGAATTTTCATATGAGTCTGTTGAGAAAGGGTTGAAG[C>A]ACCTACAGAGTAAAAACAAAAATCATGAATTGAATTGACTACTTATTCCTTCAAATCAGT-3'
Protein context (NP_079390.3, residues 388-408): LKNELQRNKG[Ala398Ser]STLSQQTHMK